The following is an entry in ClinVar:

ClinVar aggregate classification (germline): Conflicting classifications of pathogenicity. Review status: criteria provided, conflicting classifications (1 of 4 stars). 3 submissions from 3 submitters: Uncertain significance (1); Likely benign (2). Last evaluated 2026-01-13.

Allele frequency attached by ClinVar (database versions not stated): gnomAD 0.00002 and 0.00003; TOPMed 0.00002; ExAC 0.00010; 1000 Genomes Project 0.00020; 1000 Genomes Project 30x 0.00031.
gnomAD v4.1: 40 of 1,614,148 alleles (0.0025%); highest among the groups gnomAD compares: East Asian, 0.071%; no homozygotes.

Submissions (3):

Labcorp Genetics (formerly Invitae), Labcorp
Classification: Likely benign. Last evaluated: 2026-01-13. Review status: criteria provided, single submitter. Criteria: Invitae Variant Classification Sherloc (09022015). Collection method: clinical testing. Allele origin: germline.

CeGaT Center for Human Genetics Tuebingen
Classification: Likely benign. Last evaluated: 2024-05-01. Review status: criteria provided, single submitter. Criteria: CeGaT Center For Human Genetics Tuebingen Variant Classification Criteria Version 2. Collection method: clinical testing. Allele origin: germline. Affected: yes. Observed: 1 variant allele.
Comment: USH2A: BP4

Blueprint Genetics
Classification: Uncertain significance. Last evaluated: 2021-11-16. Review status: criteria provided, single submitter. Criteria: ACMG Guidelines, 2015. Collection method: clinical testing. Allele origin: germline.

NM_206933.4(USH2A):c.14740G>A (p.Glu4914Lys)

Gene: USH2A (usherin; minus strand). Cytogenetic location: 1q41.
Variant type: single nucleotide variant.
Coding change: c.14740G>A on transcript NM_206933.4 (MANE Select); coding-DNA position 14740, G replaced by A.
Protein change: p.Glu4914Lys; replaces glutamic acid 4914 with lysine.
Molecular consequence: missense variant.
Genome position (GRCh38, 1-based): chr1:215,647,573, C>T on the plus strand (G>A on the coding strand, the complement: USH2A is on the minus strand). VCF-style: chr1-215647573-C-T. GRCh37 (hg19) VCF-style: chr1-215820915-C-T.
Other names: short protein forms E4914K.
Identifiers: ClinVar variation 1103983 (VCV001103983.29), dbSNP rs199829169, ClinGen allele CA1392944.
Genomic context (GRCh38, chr1:215,647,573, plus strand): 5'-TATACTCACATTCTTTTTGGGTGGTGAAACTGATCCACTCGGAAGCCGTACTGCCCACCT[C>T]GTTGTGTGCCACCACTCTCAGCTTGTATGTGGTGTAGGGCTGGAGACCCCCAAGGCTGGC-3'
Protein context (NP_996816.3, residues 4904-4924): TYKLRVVAHN[Glu4914Lys]VGSTASEWIS